The following is an entry in ClinVar:

ClinVar aggregate classification (germline): Uncertain significance (1 of 4 stars; one submission).

Conditions:
Hereditary cancer-predisposing syndrome. Also called: Hereditary neoplastic syndrome; Neoplastic Syndromes, Hereditary; Tumor predisposition; Hereditary Cancer Syndrome. Identifiers: Orphanet 140162, MedGen C0027672, MeSH D009386, MONDO:0015356.

Submission:

Ambry Genetics
Classification: Uncertain significance for Hereditary cancer-predisposing syndrome. Last evaluated: 2025-08-11. Review status: criteria provided, single submitter. Criteria: Ambry Variant Classification Scheme 2023. Collection method: clinical testing. Allele origin: germline.
Comment: The p.Q2442P variant (also known as c.7325A>C), located in coding exon 49 of the ATM gene, results from an A to C substitution at nucleotide position 7325. The glutamine at codon 2442 is replaced by proline, an amino acid with similar properties. This amino acid position is highly conserved in available vertebrate species. In addition, this alteration is predicted to be deleterious by in silico analysis. Based on the available evidence, the clinical significance of this variant remains unclear.

NM_000051.4(ATM):c.7325A>C (p.Gln2442Pro)

Genes: ATM (ATM serine/threonine kinase; plus strand), C11orf65 (chromosome 11 open reading frame 65; minus strand). Cytogenetic location: 11q22.3.
Variant type: single nucleotide variant.
Coding change: c.7325A>C on transcript NM_000051.4 (MANE Select); coding-DNA position 7325, A replaced by C.
Protein change: p.Gln2442Pro; replaces glutamine 2442 with proline.
Molecular consequence: missense variant. On other transcripts: intron variant (2).
Genome position (GRCh38, 1-based): chr11:108,330,231, A>C. VCF-style: chr11-108330231-A-C. GRCh37 (hg19) VCF-style: chr11-108200958-A-C.
Other names: c.7325A>C, p.Gln2442Pro (NM_001351834.2); c.641-21160T>G (NM_001330368.2); c.*38+4989T>G (NM_001351110.2); short protein forms Q2442P.
Identifiers: ClinVar variation 1758331 (VCV001758331.3), dbSNP rs1591159790, ClinGen allele CA382559891.